The following is an entry in ClinVar:

ClinVar aggregate classification (germline): Uncertain significance (1 of 4 stars; one submission).

Submission:

Greenwood Genetic Center Diagnostic Laboratories, Greenwood Genetic Center
Classification: Uncertain significance. Last evaluated: 2022-04-21. Review status: criteria provided, single submitter. Criteria: ACMG Guidelines, 2015. Collection method: clinical testing. Allele origin: germline. Affected: yes.
Comment: PM2, PP3

NM_015021.3(ZNF292):c.3260C>T (p.Pro1087Leu)

Gene: ZNF292 (zinc finger protein 292; plus strand). Cytogenetic location: 6q14.3.
Variant type: single nucleotide variant.
Coding change: c.3260C>T on transcript NM_015021.3 (MANE Select); coding-DNA position 3260, C replaced by T.
Protein change: p.Pro1087Leu; replaces proline 1087 with leucine.
Molecular consequence: missense variant.
Genome position (GRCh38, 1-based): chr6:87,256,889, C>T. VCF-style: chr6-87256889-C-T. GRCh37 (hg19) VCF-style: chr6-87966607-C-T.
Other names: c.2840C>T, p.Pro947Leu (NM_001351444.2); short protein forms P1087L, P947L.
Identifiers: ClinVar variation 1703159 (VCV001703159.3), dbSNP rs1775252925, ClinGen allele CA364921474.
Genomic context (GRCh38, chr6:87,256,889, plus strand): 5'-CATTAGAAAGTATTGCATTTGTTCCACCGCAGTCCGACCTAAGTAATTCATTAGGAACTC[C>T]ATCAGTGCCTCCAAAAGCTCCAGTTCAGAAATTCAGCTGCCAGGTCGAGGGATGTACTCG-3'
Protein context (NP_055836.1, residues 1077-1097): QSDLSNSLGT[Pro1087Leu]SVPPKAPVQK